The following is an entry in ClinVar:

ClinVar aggregate classification (germline): Conflicting classifications of pathogenicity. Review status: criteria provided, conflicting classifications (1 of 4 stars). 5 submissions from 5 submitters: Uncertain significance (2); Likely benign (2). 1 of the submissions does not count toward it. Last evaluated 2024-10-21.

Conditions:
Joubert syndrome 21 (JBTS21). Identifiers: MedGen C3810212, MONDO:0014288, OMIM 615636.
CSPP1-related disorder. Also called: CSPP1-related condition.

Allele frequency attached by ClinVar (database versions not stated): ESP Exome Variant Server 0.00008; gnomAD 0.00005 and 0.00003; TOPMed 0.00005; gnomAD exomes 0.00006; ExAC 0.00008.
gnomAD v4.1: 107 of 1,613,646 alleles (0.0066%); highest among the groups gnomAD compares: Middle Eastern, 0.51%; no homozygotes.

Submissions (5):

Labcorp Genetics (formerly Invitae), Labcorp
Classification: Uncertain significance for Joubert syndrome 21. Last evaluated: 2024-10-21. Review status: criteria provided, single submitter. Criteria: Invitae Variant Classification Sherloc (09022015). Collection method: clinical testing. Allele origin: germline.
Comment: This sequence change replaces glutamic acid, which is acidic and polar, with glycine, which is neutral and non-polar, at codon 1094 of the CSPP1 protein (p.Glu1094Gly). This variant is present in population databases (rs201629827, gnomAD 0.01%). This variant has not been reported in the literature in individuals affected with CSPP1-related conditions. ClinVar contains an entry for this variant (Variation ID: 510229). An algorithm developed to predict the effect of missense changes on protein structure and function (PolyPhen-2) suggests that this variant is likely to be disruptive. In summary, the available evidence is currently insufficient to determine the role of this variant in disease. Therefore, it has been classified as a Variant of Uncertain Significance.

GeneDx
Classification: Likely benign. Last evaluated: 2020-12-04. Review status: criteria provided, single submitter. Criteria: GeneDx Variant Classification Process June 2021. Collection method: clinical testing. Allele origin: germline. Affected: yes.
Comment: This variant is associated with the following publications: (PMID: 25616960, 30755392)

Center for Personalized Medicine, Children's Hospital Los Angeles
Classification: Uncertain significance. Last evaluated: 2018-11-19. Review status: criteria provided, single submitter. Criteria: ACMG Guidelines, 2015. Collection method: clinical testing. Allele origin: germline. Affected: yes.

Genomic Research Center, Shahid Beheshti University of Medical Sciences
Classification: Likely benign for Joubert syndrome 21. Last evaluated: 2018-08-07. Review status: criteria provided, single submitter. Criteria: ACMG Guidelines, 2015. Collection method: clinical testing. Allele origin: inherited. Affected: no. Observed: 1 variant allele.

PreventionGenetics, part of Exact Sciences
Classification: Uncertain significance for CSPP1-related condition. Last evaluated: 2024-01-23. Review status: no assertion criteria provided. Collection method: clinical testing. Allele origin: germline. Not counted in ClinVar's aggregate classification.
Comment: The CSPP1 c.3281A>G variant is predicted to result in the amino acid substitution p.Glu1094Gly. This variant was reported as a heterozygous variant of uncertain significance with no second hit, in an individual diagnosed with Joubert syndrome (Ji et al. 2019. PubMed ID: 30755392). In ClinVar this alteration has conflicting classifications of uncertain and likely benign. This variant is reported in 0.0098% of alleles in individuals of South Asian descent in gnomAD. At this time, the clinical significance of this variant is uncertain due to the absence of conclusive functional and genetic evidence.

NM_001382391.1(CSPP1):c.3296A>G (p.Glu1099Gly)

Genes: ARFGEF1 (ARF guanine nucleotide exchange factor 1; minus strand), CSPP1 (centrosome and spindle pole associated protein 1; plus strand). Cytogenetic location: 8q13.2.
Variant type: single nucleotide variant.
Coding change: c.3296A>G on transcript NM_001382391.1 (MANE Select); coding-DNA position 3296, A replaced by G.
Protein change: p.Glu1099Gly; replaces glutamic acid 1099 with glycine.
Molecular consequence: missense variant. On other transcripts: intron variant (2).
Genome position (GRCh38, 1-based): chr8:67,190,725, A>G. VCF-style: chr8-67190725-A-G. GRCh37 (hg19) VCF-style: chr8-68102960-A-G.
Other names: c.3020A>G, p.Glu1007Gly (NM_001363133.2); c.3362A>G, p.Glu1121Gly (NM_001364869.1); c.3182A>G, p.Glu1061Gly (NM_001364870.1); c.3128A>G, p.Glu1043Gly (NM_001438330.1); c.3281A>G, p.Glu1094Gly (NM_001438331.1, NM_024790.7); c.2597A>G, p.Glu866Gly (NM_001438332.1); c.5367+9671T>C (NM_001413186.1); c.5385+9671T>C (NM_001413187.1); and 3 more; short protein forms E1094G, E1007G, E1061G, E749G, E1034G, E1072G, E1121G, E1099G.
Identifiers: ClinVar variation 510229 (VCV000510229.20), dbSNP rs201629827, ClinGen allele CA4771124.